The following is an entry in ClinVar:

NM_138713.4(NFAT5):c.3804GCA[6] (p.Gln1284_Ser1285insGln)

Gene: NFAT5 (nuclear factor of activated T cells 5; plus strand). Cytogenetic location: 16q22.1.
Variant type: Microsatellite.
Coding change: c.3804GCA[6] on transcript NM_138713.4 (MANE Select); six copies in a row of the 3-base unit GCA starting at c.3804; the reference has five copies in a row; one copy, 3 bases duplicated.
Protein change: p.Gln1284_Ser1285insGln.
Genome position (GRCh38, 1-based): chr16:69,693,641-69,693,643, GCA duplicated; duplicating any 3 consecutive bases within chr16:69,693,627-69,693,643 gives the same sequence; the position shown is the placement nearest the transcript's 3' end. VCF-style (leftmost placement, unchanged base first): chr16-69693626-A-ACAG. GRCh37 (hg19) VCF-style: chr16-69727529-A-ACAG.
Other names: c.3801GCA[6], p.Gln1283_Ser1284insGln (NM_001113178.3); c.3129GCA[6], p.Gln1059_Ser1060insGln (NM_001367709.1); c.3750GCA[6], p.Gln1266_Ser1267insGln (NM_006599.4); c.3522GCA[6], p.Gln1190_Ser1191insGln (NM_138714.4, NM_173214.3, NM_173215.3).
Identifiers: ClinVar variation 4781652 (VCV004781652.1).

ClinVar aggregate classification (germline): Uncertain significance (1 of 4 stars; one submission).

Conditions:
Immunodeficiency. Identifiers: MedGen C0021051, MONDO:0021094, HP:0002721.

Submission:

Labcorp Genetics (formerly Invitae), Labcorp
Classification: Uncertain significance for Immunodeficiency. Last evaluated: 2025-11-24. Review status: criteria provided, single submitter. Criteria: Invitae Variant Classification Sherloc (09022015). Collection method: clinical testing. Allele origin: germline.
Comment: This variant, c.3534_3536dup, results in the insertion of 1 amino acid(s) of the NFAT5 protein (p.Gln1190dup), but otherwise preserves the integrity of the reading frame. The frequency data for this variant in the population databases is considered unreliable, as metrics indicate poor data quality at this position in the gnomAD database. This variant has not been reported in the literature in individuals affected with NFAT5-related conditions. In summary, the available evidence is currently insufficient to determine the role of this variant in disease. Therefore, it has been classified as a Variant of Uncertain Significance.